The following is an entry in ClinVar:

NM_014974.3(DIP2C):c.835G>A (p.Asp279Asn)

Genes: DIP2C (DIP2 acetate--CoA ligase C (putative); minus strand), LOC126860807 (CDK7 strongly-dependent group 2 enhancer GRCh37_chr10:461462-462661; plus strand). Cytogenetic location: 10p15.3.
Variant type: single nucleotide variant.
Coding change: c.835G>A on transcript NM_014974.3 (MANE Select); coding-DNA position 835, G replaced by A.
Protein change: p.Asp279Asn; replaces aspartic acid 279 with asparagine.
Molecular consequence: missense variant.
Genome position (GRCh38, 1-based): chr10:415,793, C>T on the plus strand (G>A on the coding strand, the complement: DIP2C is on the minus strand). VCF-style: chr10-415793-C-T. GRCh37 (hg19) VCF-style: chr10-461733-C-T.
Other names: short protein forms D279N.
Identifiers: ClinVar variation 3391619 (VCV003391619.2).

ClinVar aggregate classification (germline): Uncertain significance (1 of 4 stars; one submission).

gnomAD v4.1: 1 of 1,613,910 alleles (0.000062%); highest among the groups gnomAD compares: Non-Finnish European, 0.000085%; no homozygotes.

Submission:

GeneDx
Classification: Uncertain significance. Last evaluated: 2025-12-26. Review status: criteria provided, single submitter. Criteria: GeneDx Variant Classification Process June 2021. Collection method: clinical testing. Allele origin: germline.
Comment: Not observed at significant frequency in large population cohorts (gnomAD); In silico analysis supports that this missense variant has a deleterious effect on protein structure/function; Has not been previously published as pathogenic or benign to our knowledge